The following is an entry in ClinVar:

NM_002900.3(RBP3):c.1265G>A (p.Arg422Gln)

Gene: RBP3 (retinol binding protein 3; plus strand). Cytogenetic location: 10q11.22.
Variant type: single nucleotide variant.
Coding change: c.1265G>A on transcript NM_002900.3 (MANE Select); coding-DNA position 1265, G replaced by A.
Protein change: p.Arg422Gln; replaces arginine 422 with glutamine.
Molecular consequence: missense variant.
Genome position (GRCh38, 1-based): chr10:47,349,749, G>A. VCF-style: chr10-47349749-G-A. GRCh37 (hg19) VCF-style: chr10-48389613-C-T.
Other names: short protein forms R422Q.
Identifiers: ClinVar variation 1409822 (VCV001409822.9), dbSNP rs781823270, ClinGen allele CA5487563.

ClinVar aggregate classification (germline): Uncertain significance. Review status: criteria provided, multiple submitters, no conflicts (2 of 4 stars). 2 submissions from 2 submitters: Uncertain significance (2). Last evaluated 2024-12-02.

Conditions:
Retinal dystrophy. Also called: Inherited retinal dystrophy. Identifiers: Orphanet 71862, MedGen C0854723, MeSH D058499, MONDO:0019118, HP:0000556.

Allele frequency attached by ClinVar (database versions not stated): gnomAD 0.00001; gnomAD exomes 0.00001 and 0.00002; TOPMed 0.00001; ExAC 0.00003.
gnomAD v4.1: 18 of 1,612,690 alleles (0.0011%); highest among the groups gnomAD compares: East Asian, 0.022%; no homozygotes.

Submissions (2):

Labcorp Genetics (formerly Invitae), Labcorp
Classification: Uncertain significance. Last evaluated: 2024-12-02. Review status: criteria provided, single submitter. Criteria: Invitae Variant Classification Sherloc (09022015). Collection method: clinical testing. Allele origin: germline.
Comment: This sequence change replaces arginine, which is basic and polar, with glutamine, which is neutral and polar, at codon 422 of the RBP3 protein (p.Arg422Gln). This variant is present in population databases (rs781823270, gnomAD 0.02%). This variant has not been reported in the literature in individuals affected with RBP3-related conditions. ClinVar contains an entry for this variant (Variation ID: 1409822). Invitae Evidence Modeling of protein sequence and biophysical properties (such as structural, functional, and spatial information, amino acid conservation, physicochemical variation, residue mobility, and thermodynamic stability) indicates that this missense variant is not expected to disrupt RBP3 protein function with a negative predictive value of 80%. In summary, the available evidence is currently insufficient to determine the role of this variant in disease. Therefore, it has been classified as a Variant of Uncertain Significance.

Dept Of Ophthalmology, Nagoya University
Classification: Uncertain significance for Retinal dystrophy. Last evaluated: 2023-10-01. Review status: criteria provided, single submitter. Criteria: Submitter's publication. Collection method: research. Allele origin: germline. Affected: yes.